The following is an entry in ClinVar:

ClinVar aggregate classification (germline): Uncertain significance (1 of 4 stars; one submission).

Conditions:
Inborn genetic diseases. Identifiers: MedGen C0950123, MeSH D030342.

Submission:

Ambry Genetics
Classification: Uncertain significance for Inborn genetic diseases. Last evaluated: 2026-04-20. Review status: criteria provided, single submitter. Criteria: Ambry Variant Classification Scheme 2023. Collection method: clinical testing. Allele origin: germline.
Comment: The p.R43P variant (also known as c.128G>C), located in coding exon 2 of the DDX41 gene, results from a G to C substitution at nucleotide position 128. The arginine at codon 43 is replaced by proline, an amino acid with dissimilar properties. This amino acid position is conserved. In addition, this alteration is predicted to be tolerated by in silico analysis. Based on the available evidence, the clinical significance of this variant remains unclear.

NM_016222.4(DDX41):c.128G>C (p.Arg43Pro)

Gene: DDX41 (DEAD-box helicase 41; minus strand). Cytogenetic location: 5q35.3.
Variant type: single nucleotide variant.
Coding change: c.128G>C on transcript NM_016222.4 (MANE Select); coding-DNA position 128, G replaced by C.
Protein change: p.Arg43Pro; replaces arginine 43 with proline.
Molecular consequence: missense variant. On other transcripts: 5 prime UTR variant (2).
Genome position (GRCh38, 1-based): chr5:177,516,735, C>G on the plus strand (G>C on the coding strand, the complement: DDX41 is on the minus strand). VCF-style: chr5-177516735-C-G. GRCh37 (hg19) VCF-style: chr5-176943736-C-G.
Other names: c.-528G>C (NM_001321732.2); c.-320G>C (NM_001321830.2); short protein forms R43P.
Identifiers: ClinVar variation 4869647 (VCV004869647.1).
Genomic context (GRCh38, chr5:177,516,735, plus strand): 5'-TGCGACCCCGCGGTCACGGCCCCATCCCTCCCCGGACGCGTGCCCCTCACCAGTAGCTGC[C>G]GGCGCTGCCGTAACGGCACATAGGGCACGTAGTCCTCGTCGTCCTCATCTTCCGCCTCGG-3'
Protein context (NP_057306.2, residues 33-53): YVPYVPLRQR[Arg43Pro]QLLLQKLLQR